The following is an entry in ClinVar:

ClinVar aggregate classification (germline): Pathogenic. Review status: criteria provided, multiple submitters, no conflicts (2 of 4 stars). 2 submissions from 2 submitters: Pathogenic (2). Last evaluated 2023-10-13.

Conditions:
Growth hormone insensitivity with immune dysregulation 1, autosomal recessive. Also called: GROWTH HORMONE INSENSITIVITY SYNDROME WITH IMMUNE DYSREGULATION 1, AUTOSOMAL RECESSIVE; LARON SYNDROME DUE TO POSTRECEPTOR DEFECT; Laron syndrome with immunodeficiency; GROWTH HORMONE INSENSITIVITY DUE TO POSTRECEPTOR DEFECT. Identifiers: Orphanet 220465, MedGen C5435698, MONDO:0100211, OMIM 245590.

Submissions (2):

Labcorp Genetics (formerly Invitae), Labcorp
Classification: Pathogenic for Growth hormone insensitivity with immune dysregulation 1, autosomal recessive. Last evaluated: 2023-10-13. Review status: criteria provided, single submitter. Criteria: Invitae Variant Classification Sherloc (09022015). Collection method: clinical testing. Allele origin: germline.
Comment: This sequence change creates a premature translational stop signal (p.Leu142Argfs*20) in the STAT5B gene. It is expected to result in an absent or disrupted protein product. Loss-of-function variants in STAT5B are known to be pathogenic (PMID: 15827093). This variant is not present in population databases (gnomAD no frequency). This premature translational stop signal has been observed in individual(s) with growth hormone insensitivity (PMID: 20538865). ClinVar contains an entry for this variant (Variation ID: 1408216). Algorithms developed to predict the effect of sequence changes on RNA splicing suggest that this variant may disrupt the consensus splice site. For these reasons, this variant has been classified as Pathogenic.

Laboratorio de Genetica e Diagnostico Molecular, Hospital Israelita Albert Einstein
Classification: Pathogenic for Growth hormone insensitivity with immune dysregulation 1, autosomal recessive. Last evaluated: 2022-10-12. Review status: criteria provided, single submitter. Criteria: ACMG Guidelines, 2015. Collection method: clinical testing. Allele origin: germline. Affected: yes. Observed: 1 variant allele.
Comment: ACMG classification criteria: PVS1 very strong, PM2 moderated, PM3 moderated

Literature cited by the submitters: PubMed 15827093 (cited by Labcorp Genetics (formerly Invitae), Labcorp); PubMed 20538865 (cited by Labcorp Genetics (formerly Invitae), Labcorp).

NM_012448.4(STAT5B):c.424_427del (p.Leu142fs)

Gene: STAT5B (signal transducer and activator of transcription 5B; minus strand). Cytogenetic location: 17q21.2.
Variant type: Deletion.
Coding change: c.424_427del on transcript NM_012448.4 (MANE Select); coding-DNA positions 424 to 427, 4 bases deleted (CTCC; older notation c.424_427delCTCC).
Protein change: p.Leu142fs; shifts the reading frame from leucine 142.
Molecular consequence: frameshift variant.
Genome position (GRCh38, 1-based): chr17:42,223,505-42,223,508, GGAG deleted on the plus strand (CTCC on the coding strand, the reverse complement: STAT5B is on the minus strand); deleting any 4 consecutive bases within chr17:42,223,505-42,223,509 gives the same sequence; the c. name uses the placement nearest the transcript's 3' end. VCF-style (leftmost placement, unchanged base first): chr17-42223504-TGGAG-T. GRCh37 (hg19) VCF-style: chr17-40375522-TGGAG-T.
Other names: short protein forms L142fs.
Identifiers: ClinVar variation 1408216 (VCV001408216.8), dbSNP rs2144267361, ClinGen allele CA2573153780.